The following is an entry in ClinVar:

NM_004408.4(DNM1):c.992+9C>T

Gene: DNM1 (dynamin 1; plus strand). Cytogenetic location: 9q34.11.
Variant type: single nucleotide variant.
Coding change: c.992+9C>T on transcript NM_004408.4 (MANE Select); 9 bases into the intron after coding-DNA position 992, C replaced by T.
Molecular consequence: intron variant.
Genome position (GRCh38, 1-based): chr9:128,222,348, C>T. VCF-style: chr9-128222348-C-T. GRCh37 (hg19) VCF-style: chr9-130984627-C-T.
Other names: c.992+9C>T (NM_001005336.3, NM_001374269.1, NM_001288738.2 and 2 more transcripts).
Identifiers: ClinVar variation 746590 (VCV000746590.4), dbSNP rs1588368929, ClinGen allele CA915947598.

ClinVar aggregate classification (germline): Likely benign. Review status: criteria provided, multiple submitters, no conflicts (2 of 4 stars). 2 submissions from 2 submitters: Likely benign (2). Last evaluated 2025-03-25.

Conditions:
DNM1-related disorder. Also called: DNM1-related condition.

Allele frequency attached by ClinVar (database versions not stated): gnomAD exomes below 0.00001.
gnomAD v4.1: 1 of 1,611,198 alleles (0.000062%); highest among the groups gnomAD compares: Non-Finnish European, 0.000085%; no homozygotes.

Submissions (2):

PreventionGenetics, part of Exact Sciences
Classification: Likely benign for DNM1-related condition. Last evaluated: 2025-03-25. Review status: criteria provided, single submitter. Criteria: ACMG Guidelines, 2015. Collection method: clinical testing. Allele origin: germline.
Comment: This variant is classified as likely benign based on ACMG/AMP sequence variant interpretation guidelines (Richards et al. 2015 PMID: 25741868, with internal and published modifications).

Labcorp Genetics (formerly Invitae), Labcorp
Classification: Likely benign. Last evaluated: 2017-12-13. Review status: criteria provided, single submitter. Criteria: Invitae Variant Classification Sherloc (09022015). Collection method: clinical testing. Allele origin: germline.